The following is an entry in ClinVar:

NC_000010.10:g.(?_122610933)_(124813281_?)dup

Genes: ACADSB (acyl-CoA dehydrogenase short/branched chain; plus strand), ARMS2 (age-related maculopathy susceptibility 2; plus strand), ATE1 (arginyltransferase 1; minus strand), BTBD16 (BTB domain containing 16; plus strand), C10orf120 (chromosome 10 open reading frame 120; minus strand) and 13 more. Cytogenetic location: 10q26.12-26.13.
Variant type: Duplication.
Identifiers: ClinVar variation 3244922 (VCV003244922.1).

ClinVar aggregate classification (germline): Uncertain significance (1 of 4 stars; one submission).

Conditions:
FGFR2-related craniosynostosis. Identifiers: MedGen CN231480.

Submission:

Labcorp Genetics (formerly Invitae), Labcorp
Classification: Uncertain significance for FGFR2-related craniosynostosis. Last evaluated: 2023-07-10. Review status: criteria provided, single submitter. Criteria: Invitae Variant Classification Sherloc (09022015). Collection method: clinical testing. Allele origin: unknown.
Comment: A copy number gain of the genomic region encompassing the full coding sequence of the FGFR2 gene has been identified. The boundaries of this event are unknown as they extend beyond the assayed region for this gene and therefore may encompass additional genes. As the precise location of this event is unknown, it may be in tandem or it may be located elsewhere in the genome. This variant has not been reported in the literature in individuals affected with FGFR2-related conditions. In summary, the available evidence is currently insufficient to determine the role of this variant in disease. Therefore, it has been classified as a Variant of Uncertain Significance.